The following is an entry in ClinVar:

ClinVar aggregate classification (germline): Likely pathogenic (0 of 4 stars; one submission).

Conditions:
TET2-related disorder. Also called: TET2-related condition.

Submission:

PreventionGenetics, part of Exact Sciences
Classification: Likely pathogenic for TET2-related condition. Last evaluated: 2024-09-20. Review status: no assertion criteria provided. Collection method: clinical testing. Allele origin: germline.
Comment: The TET2 c.2549delA variant is predicted to result in a frameshift and premature protein termination (p.His850Leufs*23). To our knowledge, this variant has not been reported in the literature or in a large population database, indicating this variant is rare. Frameshift variants in TET2 are expected to be pathogenic. This variant is interpreted as likely pathogenic.

NM_001127208.3(TET2):c.2549del (p.His850fs)

Genes: TET2 (tet methylcytosine dioxygenase 2; plus strand), TET2-AS1 (TET2 antisense RNA 1; minus strand). Cytogenetic location: 4q24.
Variant type: Deletion.
Coding change: c.2549del on transcript NM_001127208.3 (MANE Select); coding-DNA position 2549, one base deleted (A; older notation c.2549delA).
Protein change: p.His850fs; shifts the reading frame from histidine 850.
Molecular consequence: frameshift variant.
Genome position (GRCh38, 1-based): chr4:105,236,491, A deleted. VCF-style (leftmost placement, unchanged base first): chr4-105236490-CA-C. GRCh37 (hg19) VCF-style: chr4-106157647-CA-C.
Other names: c.2549del, p.His850fs (NM_017628.4); short protein forms H850fs.
Identifiers: ClinVar variation 3346408 (VCV003346408.1).